The following is an entry in ClinVar:

ClinVar aggregate classification (germline): Uncertain significance (0 of 4 stars; one submission).

Conditions:
GLI2-related disorder. Also called: GLI2-related disorders; GLI2-related condition.

Allele frequency attached by ClinVar (database versions not stated): ExAC 0.00002.
gnomAD v4.1: 1 of 1,613,292 alleles (0.000062%); highest among the groups gnomAD compares: East Asian, 0.0022%; no homozygotes.

Submission:

PreventionGenetics, part of Exact Sciences
Classification: Uncertain significance for GLI2-related condition. Last evaluated: 2024-01-05. Review status: no assertion criteria provided. Collection method: clinical testing. Allele origin: germline.
Comment: The GLI2 c.405C>G variant is predicted to result in the amino acid substitution p.Ser135Arg. To our knowledge, this variant has not been reported in the literature. This variant is reported in 0.016% of alleles in individuals of East Asian descent in gnomAD. At this time, the clinical significance of this variant is uncertain due to the absence of conclusive functional and genetic evidence.

NM_001374353.1(GLI2):c.405C>G (p.Ser135Arg)

Gene: GLI2 (GLI family zinc finger 2; plus strand). Cytogenetic location: 2q14.2.
Variant type: single nucleotide variant.
Coding change: c.405C>G on transcript NM_001374353.1 (MANE Select); coding-DNA position 405, C replaced by G.
Protein change: p.Ser135Arg; replaces serine 135 with arginine.
Molecular consequence: missense variant.
Genome position (GRCh38, 1-based): chr2:120,951,393, C>G. VCF-style: chr2-120951393-C-G. GRCh37 (hg19) VCF-style: chr2-121708969-C-G.
Other names: c.405C>G, p.Ser135Arg (NM_001371271.1, NM_005270.5); c.30C>G, p.Ser10Arg (NM_001374354.1); short protein forms S10R, S135R.
Identifiers: ClinVar variation 3029600 (VCV003029600.2), dbSNP rs750668915, ClinGen allele CA1851523.
Genomic context (GRCh38, chr2:120,951,393, plus strand): 5'-CAACGCCCCCCACCCGTACGTGAACCCCCACATGGAGCACTACCTCCGTTCTGTGCACAG[C>G]AGCCCCACGCTCTCCATGATCTCTGCAGCCAGGGGCCTCAGCCCCGCTGATGGTGAGTAG-3'
Protein context (NP_001361282.1, residues 125-145): HMEHYLRSVH[Ser135Arg]SPTLSMISAA